The following is an entry in ClinVar:

NM_000138.5(FBN1):c.8333T>G (p.Leu2778Arg)

Gene: FBN1 (fibrillin 1; minus strand). Cytogenetic location: 15q21.1.
Variant type: single nucleotide variant.
Coding change: c.8333T>G on transcript NM_000138.5 (MANE Select); coding-DNA position 8333, T replaced by G.
Protein change: p.Leu2778Arg; replaces leucine 2778 with arginine.
Molecular consequence: missense variant.
Genome position (GRCh38, 1-based): chr15:48,411,273, A>C on the plus strand (T>G on the coding strand, the complement: FBN1 is on the minus strand). VCF-style: chr15-48411273-A-C. GRCh37 (hg19) VCF-style: chr15-48703470-A-C.
Other names: short protein forms L2778R.
Identifiers: ClinVar variation 527186 (VCV000527186.8), dbSNP rs1555393553, ClinGen allele CA392319559.

ClinVar aggregate classification (germline): Likely pathogenic (1 of 4 stars; one submission).

Conditions:
Familial thoracic aortic aneurysm and aortic dissection (TAAD). Also called: Thoracic aortic aneurysms and dissections. Identifiers: Orphanet 91387, MedGen C4707243, MONDO:0019625.
Marfan syndrome (MFS). Also called: Marfan syndrome type 1; Marfan syndrome, classic; Marfan's syndrome; FBN1-Related Marfan Syndrome; MARFAN SYNDROME, TYPE I. Identifiers: Orphanet 284963, Orphanet 558, MedGen C0024796, MONDO:0007947, OMIM 154700.

Submission:

Labcorp Genetics (formerly Invitae), Labcorp
Classification: Likely pathogenic for Marfan syndrome; Familial thoracic aortic aneurysm and aortic dissection. Last evaluated: 2023-08-17. Review status: criteria provided, single submitter. Criteria: Invitae Variant Classification Sherloc (09022015). Collection method: clinical testing. Allele origin: germline.
Comment: ClinVar contains an entry for this variant (Variation ID: 527186). In summary, the currently available evidence indicates that the variant is pathogenic, but additional data are needed to prove that conclusively. Therefore, this variant has been classified as Likely Pathogenic. This variant disrupts the p.Leu2778 amino acid residue in FBN1. Other variant(s) that disrupt this residue have been observed in individuals with FBN1-related conditions (PMID: 25652356; Invitae), which suggests that this may be a clinically significant amino acid residue. Advanced modeling of protein sequence and biophysical properties (such as structural, functional, and spatial information, amino acid conservation, physicochemical variation, residue mobility, and thermodynamic stability) performed at Invitae indicates that this missense variant is expected to disrupt FBN1 protein function. This missense change has been observed in individuals with clinical features of FBN1-related conditions (Invitae). This variant is not present in population databases (gnomAD no frequency). This sequence change replaces leucine, which is neutral and non-polar, with arginine, which is basic and polar, at codon 2778 of the FBN1 protein (p.Leu2778Arg).

Literature cited by the submitters: PubMed 25652356.